The following is an entry in ClinVar:

NM_002454.3(MTRR):c.1021G>A (p.Val341Ile)

Gene: MTRR (5-methyltetrahydrofolate-homocysteine methyltransferase reductase; plus strand). Cytogenetic location: 5p15.31.
Variant type: single nucleotide variant.
Coding change: c.1021G>A on transcript NM_002454.3 (MANE Select); coding-DNA position 1021, G replaced by A.
Protein change: p.Val341Ile; replaces valine 341 with isoleucine.
Molecular consequence: missense variant. On other transcripts: non-coding transcript variant (14).
Genome position (GRCh38, 1-based): chr5:7,885,818, G>A. VCF-style: chr5-7885818-G-A. GRCh37 (hg19) VCF-style: chr5-7885931-G-A.
Other names: c.1021G>A, p.Val341Ile (NM_001364440.2, NM_001364441.2, NM_001364442.2 and 1 more transcripts); short protein forms V341I.
Identifiers: ClinVar variation 578634 (VCV000578634.7), dbSNP rs74790259, ClinGen allele CA3195787.
Genomic context (GRCh38, chr5:7,885,818, plus strand): 5'-GATTCTGAGGTACAAAGCCTACTCCAAAGACTGCAGCTTGAAGATAAAAGAGAGCACTGC[G>A]TCCTTTTGAAAATAAAGGCAGACACAAAGAAGAAAGGTAACAGCCCTGATGCTGTGACGT-3'
Protein context (NP_002445.2, residues 331-351): LQLEDKREHC[Val341Ile]LLKIKADTKK

ClinVar aggregate classification (germline): Uncertain significance. Review status: criteria provided, multiple submitters, no conflicts (2 of 4 stars). 3 submissions from 3 submitters: Uncertain significance (2). 1 of the submissions does not count toward it. Last evaluated 2022-08-16.

Conditions:
Disorders of Intracellular Cobalamin Metabolism. Identifiers: MedGen CN043592.
Methylcobalamin deficiency type cblE (HMAE). Also called: VITAMIN B12-RESPONSIVE HOMOCYSTINURIA, cblE TYPE; HOMOCYSTINURIA-MEGALOBLASTIC ANEMIA, cblE COMPLEMENTATION TYPE; HOMOCYSTINURIA-MEGALOBLASTIC ANEMIA, cblE TYPE. Identifiers: Orphanet 2169, Orphanet 622, MedGen C1856057, MONDO:0009354, OMIM 236270.

Allele frequency attached by ClinVar (database versions not stated): TOPMed 0.00055; gnomAD 0.00059 and 0.00066; gnomAD exomes 0.00062; ExAC 0.00069; 1000 Genomes Project 30x 0.00094; 1000 Genomes Project 0.00100; ESP Exome Variant Server 0.00123.
gnomAD v4.1: 1,357 of 1,614,058 alleles (0.084%); highest among the groups gnomAD compares: Non-Finnish European, 0.11%; 1 homozygote.

Submissions (3):

Labcorp Genetics (formerly Invitae), Labcorp
Classification: Uncertain significance for Methylcobalamin deficiency type cblE. Last evaluated: 2022-08-16. Review status: criteria provided, single submitter. Criteria: Invitae Variant Classification Sherloc (09022015). Collection method: clinical testing. Allele origin: germline.
Comment: This sequence change replaces valine, which is neutral and non-polar, with isoleucine, which is neutral and non-polar, at codon 341 of the MTRR protein (p.Val341Ile). This variant is present in population databases (rs74790259, gnomAD 0.1%), and has an allele count higher than expected for a pathogenic variant. This variant has not been reported in the literature in individuals affected with MTRR-related conditions. ClinVar contains an entry for this variant (Variation ID: 578634). Algorithms developed to predict the effect of missense changes on protein structure and function output the following: SIFT: "Tolerated"; PolyPhen-2: "Benign"; Align-GVGD: "Class C0". The isoleucine amino acid residue is found in multiple mammalian species, which suggests that this missense change does not adversely affect protein function. In summary, the available evidence is currently insufficient to determine the role of this variant in disease. Therefore, it has been classified as a Variant of Uncertain Significance.

Illumina Laboratory Services, Illumina
Classification: Uncertain significance for Disorders of Intracellular Cobalamin Metabolism. Last evaluated: 2018-01-13. Review status: criteria provided, single submitter. Criteria: ICSL Variant Classification Criteria 13 December 2019. Collection method: clinical testing. Allele origin: germline.

Natera, Inc.
Classification: Uncertain significance for CblE complementation type homocystinuria-megaloblastic anemia due to defect in cobalamin metabolism. Last evaluated: 2020-01-08. Review status: no assertion criteria provided. Collection method: clinical testing. Allele origin: germline. Not counted in ClinVar's aggregate classification.